The following is an entry in ClinVar:

NM_032578.4(MYPN):c.2644G>T (p.Ala882Ser)

Gene: MYPN (myopalladin; plus strand). Cytogenetic location: 10q21.3.
Variant type: single nucleotide variant.
Coding change: c.2644G>T on transcript NM_032578.4 (MANE Select); coding-DNA position 2644, G replaced by T.
Protein change: p.Ala882Ser; replaces alanine 882 with serine.
Molecular consequence: missense variant. On other transcripts: non-coding transcript variant (1).
Genome position (GRCh38, 1-based): chr10:68,175,402, G>T. VCF-style: chr10-68175402-G-T. GRCh37 (hg19) VCF-style: chr10-69935159-G-T.
Other names: c.2644G>T (NM_032578.2); c.2644G>T, p.Ala882Ser (NM_001256267.2); c.1762G>T, p.Ala588Ser (NM_001256268.2); short protein forms A882S, A588S.
Identifiers: ClinVar variation 1360584 (VCV001360584.9), dbSNP rs199476411, ClinGen allele CA376849212.

ClinVar aggregate classification (germline): Uncertain significance. Review status: criteria provided, multiple submitters, no conflicts (2 of 4 stars). 2 submissions from 2 submitters: Uncertain significance (2). Last evaluated 2025-04-05.

Conditions:
Cardiovascular phenotype. Identifiers: MedGen CN230736.
Dilated cardiomyopathy 1KK (CMD1KK). Identifiers: Orphanet 154, Orphanet 75249, MedGen C3714995, MONDO:0014100, OMIM 615248.

Submissions (2):

Ambry Genetics
Classification: Uncertain significance for Cardiovascular phenotype. Last evaluated: 2025-04-05. Review status: criteria provided, single submitter. Criteria: Ambry Variant Classification Scheme 2023. Collection method: clinical testing. Allele origin: germline.
Comment: The p.A882S variant (also known as c.2644G>T), located in coding exon 11 of the MYPN gene, results from a G to T substitution at nucleotide position 2644. The alanine at codon 882 is replaced by serine, an amino acid with similar properties. This amino acid position is conserved. In addition, this alteration is predicted to be tolerated by in silico analysis. Based on the available evidence, the clinical significance of this variant remains unclear.

Labcorp Genetics (formerly Invitae), Labcorp
Classification: Uncertain significance for Dilated cardiomyopathy 1KK. Last evaluated: 2021-02-24. Review status: criteria provided, single submitter. Criteria: Invitae Variant Classification Sherloc (09022015). Collection method: clinical testing. Allele origin: germline.
Comment: In summary, the available evidence is currently insufficient to determine the role of this variant in disease. Therefore, it has been classified as a Variant of Uncertain Significance. This sequence change replaces alanine with serine at codon 882 of the MYPN protein (p.Ala882Ser). The alanine residue is weakly conserved and there is a moderate physicochemical difference between alanine and serine. This variant is not present in population databases (ExAC no frequency). This variant has not been reported in the literature in individuals with MYPN-related conditions. Algorithms developed to predict the effect of missense changes on protein structure and function output the following: SIFT: "Tolerated"; PolyPhen-2: "Benign"; Align-GVGD: "Class C0". The serine amino acid residue is found in multiple mammalian species, suggesting that this missense change does not adversely affect protein function. These predictions have not been confirmed by published functional studies and their clinical significance is uncertain.